The following is an entry in ClinVar:

NM_001909.5(CTSD):c.502G>T (p.Ala168Ser)

Gene: CTSD (cathepsin D; minus strand). Cytogenetic location: 11p15.5.
Variant type: single nucleotide variant.
Coding change: c.502G>T on transcript NM_001909.5 (MANE Select); coding-DNA position 502, G replaced by T.
Protein change: p.Ala168Ser; replaces alanine 168 with serine.
Molecular consequence: missense variant.
Genome position (GRCh38, 1-based): chr11:1,757,526, C>A on the plus strand (G>T on the coding strand, the complement: CTSD is on the minus strand). VCF-style: chr11-1757526-C-A. GRCh37 (hg19) VCF-style: chr11-1778756-C-A.
Other names: short protein forms A168S.
Identifiers: ClinVar variation 1461692 (VCV001461692.3), dbSNP rs1554962647, ClinGen allele CA379096245.
Genomic context (GRCh38, chr11:1,757,526, plus strand): 5'-TGCCTGGCTGCTTGGTGGCCTCCCCAAAGACCTGCCTCTCCACTTTGACACCGCCCAGGG[C>A]AGAGGCTGACGACGCTGACTGGCAGGGCACCTGCAGGCCAGGGCAGAGTCAGTGGGCAGC-3'
Protein context (NP_001900.1, residues 158-178): VPCQSASSAS[Ala168Ser]LGGVKVERQV

ClinVar aggregate classification (germline): Uncertain significance (1 of 4 stars; one submission).

Conditions:
Neuronal ceroid lipofuscinosis. Also called: Neuronal Ceroid Lipofuscinoses. Identifiers: Orphanet 216, Orphanet 79263, MedGen C0027877, MONDO:0016295. Disease mechanism: loss of function.

Allele frequency attached by ClinVar (database versions not stated): gnomAD exomes below 0.00001.
gnomAD v4.1: 2 of 1,613,044 alleles (0.00012%); highest among the groups gnomAD compares: Non-Finnish European, 0.00017%; no homozygotes.

Submission:

Labcorp Genetics (formerly Invitae), Labcorp
Classification: Uncertain significance for Neuronal ceroid lipofuscinosis. Last evaluated: 2021-11-17. Review status: criteria provided, single submitter. Criteria: Invitae Variant Classification Sherloc (09022015). Collection method: clinical testing. Allele origin: germline.
Comment: This sequence change replaces alanine, which is neutral and non-polar, with serine, which is neutral and polar, at codon 168 of the CTSD protein (p.Ala168Ser). This variant is not present in population databases (gnomAD no frequency). This variant has not been reported in the literature in individuals affected with CTSD-related conditions. Algorithms developed to predict the effect of missense changes on protein structure and function (SIFT, PolyPhen-2, Align-GVGD) all suggest that this variant is likely to be tolerated. In summary, the available evidence is currently insufficient to determine the role of this variant in disease. Therefore, it has been classified as a Variant of Uncertain Significance.